The following is an entry in ClinVar:

ClinVar aggregate classification (germline): Uncertain significance (1 of 4 stars; one submission).

Allele frequency attached by ClinVar (database versions not stated): gnomAD exomes below 0.00001.
gnomAD v4.1: 2 of 1,614,068 alleles (0.00012%); highest among the groups gnomAD compares: Non-Finnish European, 0.00017%; no homozygotes.

Submission:

Ambry Genetics
Classification: Uncertain significance. Last evaluated: 2022-01-20. Review status: criteria provided, single submitter. Criteria: Ambry Variant Classification Scheme 2023. Collection method: clinical testing. Allele origin: germline.
Comment: The p.F657C variant (also known as c.1970T>G), located in coding exon 10 of the PALLD gene, results from a T to G substitution at nucleotide position 1970. The phenylalanine at codon 657 is replaced by cysteine, an amino acid with highly dissimilar properties. This amino acid position is conserved. In addition, the in silico prediction for this alteration is inconclusive. Since supporting evidence is limited at this time, the clinical significance of this alteration remains unclear.

NM_001166108.2(PALLD):c.1970T>G (p.Phe657Cys)

Gene: PALLD (palladin, cytoskeletal associated protein; plus strand). Cytogenetic location: 4q32.3.
Variant type: single nucleotide variant.
Coding change: c.1970T>G on transcript NM_001166108.2 (MANE Select); coding-DNA position 1970, T replaced by G.
Protein change: p.Phe657Cys; replaces phenylalanine 657 with cysteine.
Molecular consequence: missense variant. On other transcripts: 5 prime UTR variant (4).
Genome position (GRCh38, 1-based): chr4:168,890,927, T>G. VCF-style: chr4-168890927-T-G. GRCh37 (hg19) VCF-style: chr4-169812078-T-G.
Other names: c.824T>G, p.Phe275Cys (NM_001166109.2); c.509T>G, p.Phe170Cys (NM_001166110.2); c.-152T>G (NM_001367567.1, NM_001367568.1, NM_001367569.1 and 1 more transcripts); c.1970T>G, p.Phe657Cys (NM_016081.4); short protein forms F657C, F170C, F275C.
Identifiers: ClinVar variation 1783622 (VCV001783622.2), dbSNP rs2533586317, ClinGen allele CA358797060.